The following is an entry in ClinVar:

NM_052947.4(ALPK2):c.4414G>C (p.Glu1472Gln)

Genes: ALPK2 (alpha kinase 2; minus strand), LOC126862764 (BRD4-independent group 4 enhancer GRCh37_chr18:56202574-56203773; plus strand). Cytogenetic location: 18q21.31.
Variant type: single nucleotide variant.
Coding change: c.4414G>C on transcript NM_052947.4 (MANE Select); coding-DNA position 4414, G replaced by C.
Protein change: p.Glu1472Gln; replaces glutamic acid 1472 with glutamine.
Molecular consequence: missense variant.
Genome position (GRCh38, 1-based): chr18:58,535,773, C>G on the plus strand (G>C on the coding strand, the complement: ALPK2 is on the minus strand). VCF-style: chr18-58535773-C-G. GRCh37 (hg19) VCF-style: chr18-56203005-C-G.
Other names: short protein forms E1472Q.
Identifiers: ClinVar variation 2449254 (VCV002449254.2), dbSNP rs2518874790, ClinGen allele CA402562641.

ClinVar aggregate classification (germline): Uncertain significance (1 of 4 stars; one submission).

Submission:

Ambry Genetics
Classification: Uncertain significance. Last evaluated: 2023-01-08. Review status: criteria provided, single submitter. Criteria: Ambry Variant Classification Scheme 2023. Collection method: clinical testing. Allele origin: germline.
Comment: The p.E1472Q variant (also known as c.4414G>C), located in coding exon 4 of the ALPK2 gene, results from a G to C substitution at nucleotide position 4414. The glutamic acid at codon 1472 is replaced by glutamine, an amino acid with highly similar properties. This amino acid position is conserved. In addition, this alteration is predicted to be tolerated by in silico analysis. Since supporting evidence is limited at this time, the clinical significance of this alteration remains unclear.